The following is an entry in ClinVar:

ClinVar aggregate classification (germline): Likely benign. Review status: criteria provided, multiple submitters, no conflicts (2 of 4 stars). 3 submissions from 3 submitters: Likely benign (3). Last evaluated 2026-01-20.

Conditions:
Malignant hyperthermia, susceptibility to, 5 (MHS5). Also called: CACNA1S-Related Malignant Hyperthermia Susceptibility. Identifiers: Orphanet 423, MedGen C1866077, MONDO:0011163, OMIM 601887.
Hypokalemic periodic paralysis, type 1. Also called: HypoPP; Hypokalemic Periodic Paralysis Type 1 (AD). Identifiers: Orphanet 681, MedGen C3714580, MONDO:0042979, OMIM 170400.

Allele frequency attached by ClinVar (database versions not stated): ExAC 0.00001; gnomAD exomes 0.00002; TOPMed 0.00002.
gnomAD v4.1: 27 of 1,613,894 alleles (0.0017%); highest among the groups gnomAD compares: Admixed American, 0.0067%; no homozygotes.

Submissions (3):

Labcorp Genetics (formerly Invitae), Labcorp
Classification: Likely benign for Hypokalemic periodic paralysis, type 1; Malignant hyperthermia, susceptibility to, 5. Last evaluated: 2026-01-20. Review status: criteria provided, single submitter. Criteria: Invitae Variant Classification Sherloc (09022015). Collection method: clinical testing. Allele origin: germline.

All of Us Research Program, National Institutes of Health
Classification: Likely benign for Malignant hyperthermia, susceptibility to, 5. Last evaluated: 2024-02-05. Review status: criteria provided, single submitter. Criteria: ACMG Guidelines, 2015. Collection method: clinical testing. Allele origin: germline. Inheritance: Autosomal dominant inheritance. Observed: 8 variant alleles, 8 heterozygotes.
Comment: This study involves interpretation of variants in research participants for the purpose of population health screening. Participant phenotype was not available at the time of variant classification. Additional details can be found in publication PMID: 35346344, PMCID: PMC8962531

Color Diagnostics, LLC DBA Color Health
Classification: Likely benign for Malignant hyperthermia, susceptibility to, 5. Last evaluated: 2022-11-06. Review status: criteria provided, single submitter. Criteria: ACMG Guidelines, 2015. Collection method: clinical testing. Allele origin: germline.

NM_000069.3(CACNA1S):c.2235C>T (p.Asp745=)

Gene: CACNA1S (calcium voltage-gated channel subunit alpha1 S; minus strand). Cytogenetic location: 1q32.1.
Variant type: single nucleotide variant.
Coding change: c.2235C>T on transcript NM_000069.3 (MANE Select); coding-DNA position 2235, C replaced by T.
Protein change: p.Asp745=; no amino-acid change (aspartic acid 745 retained).
Molecular consequence: synonymous variant.
Genome position (GRCh38, 1-based): chr1:201,070,397, G>A on the plus strand (C>T on the coding strand, the complement: CACNA1S is on the minus strand). VCF-style: chr1-201070397-G-A. GRCh37 (hg19) VCF-style: chr1-201039525-G-A.
Identifiers: ClinVar variation 1087733 (VCV001087733.11), dbSNP rs754971473, ClinGen allele CA078895.